The following is an entry in ClinVar:

NM_000352.6(ABCC8):c.2094C>T (p.Asn698=)

Gene: ABCC8 (ATP binding cassette subfamily C member 8; minus strand). Cytogenetic location: 11p15.1.
Variant type: single nucleotide variant.
Coding change: c.2094C>T on transcript NM_000352.6 (MANE Select); coding-DNA position 2094, C replaced by T.
Protein change: p.Asn698=; no amino-acid change (asparagine 698 retained).
Molecular consequence: synonymous variant. On other transcripts: non-coding transcript variant (1).
Genome position (GRCh38, 1-based): chr11:17,427,889, G>A on the plus strand (C>T on the coding strand, the complement: ABCC8 is on the minus strand). VCF-style: chr11-17427889-G-A. GRCh37 (hg19) VCF-style: chr11-17449436-G-A.
Other names: c.2094C>T, p.Asn698= (NM_001287174.3); c.2160C>T, p.Asn720= (NM_001351295.2); c.2091C>T, p.Asn697= (NM_001351296.2, NM_001351297.2).
Identifiers: ClinVar variation 763590 (VCV000763590.10), dbSNP rs757172850, ClinGen allele CA5903317.
Genomic context (GRCh38, chr11:17,427,889, plus strand): 5'-TGGGGAGGGGCATGCTGGAGGGGTGGACTGGGCCATACCTCGGGGGATACGAATGGTGAT[G>A]TTGGACAGTGTGGGGATTCCATCTGGGGTCCACGTGAAGTAGCCTCCCATGATCTTCATT-3'
Protein context (NP_000343.2, residues 688-708): WTPDGIPTLS[Asn698=]ITIRIPRGQL

ClinVar aggregate classification (germline): Conflicting classifications of pathogenicity. Review status: criteria provided, conflicting classifications (1 of 4 stars). 3 submissions from 2 submitters: Uncertain significance (2); Likely benign (1). Last evaluated 2026-01-24.

Conditions:
Maturity-onset diabetes of the young (MODY). Also called: Maturity onset diabetes mellitus in young. Identifiers: Orphanet 552, MedGen C0342276, MONDO:0018911, HP:0004904.
Transitory neonatal diabetes mellitus. Also called: Transient neonatal diabetes mellitus. Identifiers: MedGen C0342273, MONDO:0020525, HP:0008255.

Allele frequency attached by ClinVar (database versions not stated): TOPMed 0.00002; gnomAD exomes 0.00007; ExAC 0.00008.
gnomAD v4.1: 41 of 1,614,122 alleles (0.0025%); highest among the groups gnomAD compares: East Asian, 0.091%; no homozygotes.

Submissions (3):

Labcorp Genetics (formerly Invitae), Labcorp
Classification: Likely benign. Last evaluated: 2026-01-24. Review status: criteria provided, single submitter. Criteria: Invitae Variant Classification Sherloc (09022015). Collection method: clinical testing. Allele origin: germline.

Clinical Genomics, Uppaluri K&H Personalized Medicine Clinic
Classification: Uncertain significance for Transitory neonatal diabetes mellitus. Review status: criteria provided, single submitter. Criteria: K & H Uppaluri Personalized Medicine Clinic Variant Classification & Assertion Criteria_Updated V.1. Collection method: research. Allele origin: unknown. Inheritance: Somatic mutation.
Comment: Mutations in ABCC8 gene are associated with both neonatal diabetes mellitus as well as MODY. Patients with this mutation may have a better response to sulfonylureas. However, no sufficient evidence is found to ascertain the role of this particular variant ( rs757172850) in neonatal diabetes yet.

Clinical Genomics, Uppaluri K&H Personalized Medicine Clinic
Classification: Uncertain significance for Maturity-onset diabetes of the young. Review status: criteria provided, single submitter. Criteria: K & H Uppaluri Personalized Medicine Clinic Variant Classification & Assertion Criteria_Updated V.1. Collection method: research. Allele origin: unknown. Inheritance: Somatic mutation.
Comment: Mutations in ABCC8 gene are associated with both neonatal diabetes mellitus as well as MODY. Patients with this mutation may have a better response to sulfonylureas. However, no sufficient evidence is found to ascertain the role of this particular variant ( rs757172850) in MODY yet.

Literature cited by the submitters: PubMed 16885549 (cited by Clinical Genomics, Uppaluri K&H Personalized Medicine Clinic); PubMed 21989597 (cited by Clinical Genomics, Uppaluri K&H Personalized Medicine Clinic); PubMed 27538677 (cited by Clinical Genomics, Uppaluri K&H Personalized Medicine Clinic); PubMed 18981553 (cited by Clinical Genomics, Uppaluri K&H Personalized Medicine Clinic); PubMed 32027066 (cited by Clinical Genomics, Uppaluri K&H Personalized Medicine Clinic); PubMed 16613899 (cited by Clinical Genomics, Uppaluri K&H Personalized Medicine Clinic); PubMed 18025408 (cited by Clinical Genomics, Uppaluri K&H Personalized Medicine Clinic); PubMed 32792356 (cited by Clinical Genomics, Uppaluri K&H Personalized Medicine Clinic).